The following is an entry in ClinVar:

ClinVar aggregate classification (germline): Benign. Review status: criteria provided, multiple submitters, no conflicts (2 of 4 stars). 3 submissions from 3 submitters: Benign (2). 1 of the submissions does not count toward it. Last evaluated 2026-02-01.

Conditions:
WNT2B-related disorder. Also called: WNT2B-related condition.

Allele frequency attached by ClinVar (database versions not stated): gnomAD exomes 0.00192 and 0.00516; ExAC 0.00664; 1000 Genomes Project 0.01837; gnomAD 0.02025 and 0.02166; 1000 Genomes Project 30x 0.02046; TOPMed 0.02318; ESP Exome Variant Server 0.02376.
gnomAD v4.1: 6,027 of 1,614,118 alleles (0.37%); highest among the groups gnomAD compares: African/African-American, 6.8%; 181 homozygotes.

Submissions (3):

Labcorp Genetics (formerly Invitae), Labcorp
Classification: Benign. Last evaluated: 2026-02-01. Review status: criteria provided, single submitter. Criteria: Invitae Variant Classification Sherloc (09022015). Collection method: clinical testing. Allele origin: germline.

Breakthrough Genomics
Classification: Benign. Review status: criteria provided, single submitter. Criteria: ACMG Guidelines, 2015. Collection method: not provided. Allele origin: germline. Inheritance: Autosomal recessive inheritance. Affected: yes.

PreventionGenetics, part of Exact Sciences
Classification: Benign for WNT2B-related condition. Last evaluated: 2019-09-25. Review status: no assertion criteria provided. Collection method: clinical testing. Allele origin: germline. Not counted in ClinVar's aggregate classification.
Comment: This variant is classified as benign based on ACMG/AMP sequence variant interpretation guidelines (Richards et al. 2015 PMID: 25741868, with internal and published modifications).

NM_024494.3(WNT2B):c.1140A>G (p.Lys380=)

Genes: ST7L (suppression of tumorigenicity 7 like; minus strand), WNT2B (Wnt family member 2B; plus strand). Cytogenetic location: 1p13.2.
Variant type: single nucleotide variant.
Coding change: c.1140A>G on transcript NM_024494.3 (MANE Select); coding-DNA position 1140, A replaced by G.
Protein change: p.Lys380=; no amino-acid change (lysine 380 retained).
Molecular consequence: synonymous variant.
Genome position (GRCh38, 1-based): chr1:112,520,473, A>G. VCF-style: chr1-112520473-A-G. GRCh37 (hg19) VCF-style: chr1-113063095-A-G.
Other names: c.864A>G, p.Lys288= (NM_001291880.1); c.1083A>G, p.Lys361= (NM_004185.4).
Identifiers: ClinVar variation 780256 (VCV000780256.12), dbSNP rs2227860, ClinGen allele CA1008439.